The following is an entry in ClinVar:

NM_015047.3(EMC1):c.1219_1220del (p.Ile407fs)

Genes: EMC1 (ER membrane protein complex subunit 1; minus strand), EMC1-AS1 (EMC1 antisense RNA 1; plus strand). Cytogenetic location: 1p36.13.
Variant type: Microsatellite.
Coding change: c.1219_1220del on transcript NM_015047.3 (MANE Select); coding-DNA positions 1219 to 1220, 2 bases deleted (AT; older notation c.1219_1220delAT).
Protein change: p.Ile407fs; shifts the reading frame from isoleucine 407.
Molecular consequence: frameshift variant.
Genome position (GRCh38, 1-based): chr1:19,237,231-19,237,232, AT deleted on the plus strand (AT on the coding strand, the reverse complement: EMC1 is on the minus strand); deleting any 2 consecutive bases within chr1:19,237,231-19,237,235 gives the same sequence; the c. name uses the placement nearest the transcript's 3' end. VCF-style (leftmost placement, unchanged base first): chr1-19237230-GAT-G. GRCh37 (hg19) VCF-style: chr1-19563724-GAT-G.
Other names: c.1216_1217del, p.Ile406fs (NM_001271427.2, NM_001375821.1); c.1219_1220del, p.Ile407fs (NM_001271428.2, NM_001375820.1); c.1153_1154del, p.Ile385fs (NM_001271429.2); short protein forms I406fs, I407fs, I385fs.
Identifiers: ClinVar variation 1909892 (VCV001909892.5), dbSNP rs1359798259, ClinGen allele CA521516396.
Genomic context (GRCh38, chr1:19,237,230, plus strand): 5'-ATCCTCTGTCTGCACCAAAGCCCGGTAGCCCACTGAGTCATCCTTCTTCAAGAACACCTG[GAT>G]ATACAGCTATAAGCCACAGTCAAGACCGGTGTAGTCAGTGAGGATCCAAATGCCTCTGAG-3'

ClinVar aggregate classification (germline): Pathogenic (1 of 4 stars; one submission).

Submission:

Labcorp Genetics (formerly Invitae), Labcorp
Classification: Pathogenic. Last evaluated: 2024-10-27. Review status: criteria provided, single submitter. Criteria: Invitae Variant Classification Sherloc (09022015). Collection method: clinical testing. Allele origin: germline.
Comment: This sequence change creates a premature translational stop signal (p.Ile407Profs*8) in the EMC1 gene. It is expected to result in an absent or disrupted protein product. Loss-of-function variants in EMC1 are known to be pathogenic (PMID: 26572623, 26942288, 29271071). This variant is present in population databases (no rsID available, gnomAD 0.0009%). This variant has not been reported in the literature in individuals affected with EMC1-related conditions. For these reasons, this variant has been classified as Pathogenic.

Literature cited by the submitters: PubMed 26572623; PubMed 26942288; PubMed 29271071.